The following is an entry in ClinVar:

ClinVar aggregate classification (germline): Benign (0 of 4 stars; one submission).

Conditions:
EZR-related disorder. Also called: EZR-related condition.

Allele frequency attached by ClinVar (database versions not stated): 1000 Genomes Project 30x 0.09275; 1000 Genomes Project 0.09285; TOPMed 0.10791; ExAC 0.11511; gnomAD 0.11682; gnomAD exomes 0.11850; ESP Exome Variant Server 0.12117.
gnomAD v4.1: 185,344 of 1,565,678 alleles (12%); highest among the groups gnomAD compares: South Asian, 12%; 11,745 homozygotes.

Submission:

PreventionGenetics, part of Exact Sciences
Classification: Benign for EZR-related condition. Last evaluated: 2019-11-12. Review status: no assertion criteria provided. Collection method: clinical testing. Allele origin: germline.
Comment: This variant is classified as benign based on ACMG/AMP sequence variant interpretation guidelines (Richards et al. 2015 PMID: 25741868, with internal and published modifications).

NM_001111077.2(EZR):c.1345-5C>T

Gene: EZR (ezrin; minus strand). Cytogenetic location: 6q25.3.
Variant type: single nucleotide variant.
Coding change: c.1345-5C>T on transcript NM_001111077.2 (MANE Select); 5 bases into the intron before coding-DNA position 1345, C replaced by T.
Molecular consequence: intron variant.
Genome position (GRCh38, 1-based): chr6:158,767,517, G>A on the plus strand (C>T on the coding strand, the complement: EZR is on the minus strand). VCF-style: chr6-158767517-G-A. GRCh37 (hg19) VCF-style: chr6-159188549-G-A.
Other names: c.1345-5C>T (NM_003379.5).
Identifiers: ClinVar variation 3055436 (VCV003055436.2), dbSNP rs3212310, ClinGen allele CA4074983.